The following is an entry in ClinVar:

NM_177924.5(ASAH1):c.917+2T>G

Gene: ASAH1 (N-acylsphingosine amidohydrolase 1; minus strand). Cytogenetic location: 8p22.
Variant type: single nucleotide variant.
Coding change: c.917+2T>G on transcript NM_177924.5 (MANE Select); the canonical splice donor site of the intron after coding-DNA position 917, T replaced by G.
Molecular consequence: splice donor variant.
Genome position (GRCh38, 1-based): chr8:18,059,570, A>C on the plus strand (T>G on the coding strand, the complement: ASAH1 is on the minus strand). VCF-style: chr8-18059570-A-C. GRCh37 (hg19) VCF-style: chr8-17917079-A-C.
Other names: c.965+2T>G (NM_004315.6); c.899+2T>G (NM_001127505.3); c.722+2T>G (NM_001363743.2).
Identifiers: ClinVar variation 2824547 (VCV002824547.3), dbSNP rs1157855841, ClinGen allele CA370427720.

ClinVar aggregate classification (germline): Likely pathogenic (1 of 4 stars; one submission).

Allele frequency attached by ClinVar (database versions not stated): gnomAD exomes below 0.00001.
gnomAD v4.1: 1 of 1,614,044 alleles (0.000062%); highest among the groups gnomAD compares: South Asian, 0.0011%; no homozygotes.

Submission:

Labcorp Genetics (formerly Invitae), Labcorp
Classification: Likely pathogenic. Last evaluated: 2022-12-27. Review status: criteria provided, single submitter. Criteria: Invitae Variant Classification Sherloc (09022015). Collection method: clinical testing. Allele origin: germline.
Comment: In summary, the currently available evidence indicates that the variant is pathogenic, but additional data are needed to prove that conclusively. Therefore, this variant has been classified as Likely Pathogenic. Algorithms developed to predict the effect of sequence changes on RNA splicing suggest that this variant may disrupt the consensus splice site. This variant has not been reported in the literature in individuals affected with ASAH1-related conditions. This variant is present in population databases (no rsID available, gnomAD 0.003%). This sequence change affects a donor splice site in intron 11 of the ASAH1 gene. It is expected to disrupt RNA splicing. Variants that disrupt the donor or acceptor splice site typically lead to a loss of protein function (PMID: 16199547), and loss-of-function variants in ASAH1 are known to be pathogenic (PMID: 24164096, 24355074).

Literature cited by the submitters: PubMed 16199547; PubMed 24164096; PubMed 24355074.